The following is an entry in ClinVar:

ClinVar aggregate classification (germline): Uncertain significance (1 of 4 stars; one submission).

Conditions:
Amyotrophic lateral sclerosis type 15. Also called: AMYOTROPHIC LATERAL SCLEROSIS 15 WITH FRONTOTEMPORAL DEMENTIA. Identifiers: Orphanet 803, MedGen C3275459, MONDO:0010459, OMIM 300857.

Submission:

Labcorp Genetics (formerly Invitae), Labcorp
Classification: Uncertain significance for Amyotrophic lateral sclerosis type 15. Last evaluated: 2023-02-03. Review status: criteria provided, single submitter. Criteria: Invitae Variant Classification Sherloc (09022015). Collection method: clinical testing. Allele origin: germline.
Comment: This sequence change replaces serine, which is neutral and polar, with proline, which is neutral and non-polar, at codon 527 of the UBQLN2 protein (p.Ser527Pro). This variant is not present in population databases (gnomAD no frequency). This variant has not been reported in the literature in individuals affected with UBQLN2-related conditions. Algorithms developed to predict the effect of missense changes on protein structure and function output the following: SIFT: "Not Available"; PolyPhen-2: "Not Available"; Align-GVGD: "Not Available". The proline amino acid residue is found in multiple mammalian species, which suggests that this missense change does not adversely affect protein function. In summary, the available evidence is currently insufficient to determine the role of this variant in disease. Therefore, it has been classified as a Variant of Uncertain Significance.

NM_013444.4(UBQLN2):c.1579T>C (p.Ser527Pro)

Gene: UBQLN2 (ubiquilin 2; plus strand). Cytogenetic location: Xp11.21.
Variant type: single nucleotide variant.
Coding change: c.1579T>C on transcript NM_013444.4 (MANE Select); coding-DNA position 1579, T replaced by C.
Protein change: p.Ser527Pro; replaces serine 527 with proline.
Molecular consequence: missense variant.
Genome position (GRCh38, 1-based): chrX:56,565,452, T>C. VCF-style: chrX-56565452-T-C. GRCh37 (hg19) VCF-style: chrX-56591885-T-C.
Other names: short protein forms S527P.
Identifiers: ClinVar variation 2834060 (VCV002834060.3), dbSNP rs2519963513, ClinGen allele CA413380846.